The following is an entry in ClinVar:

NM_019616.4(F7):c.149C>G (p.Ser50Cys)

Gene: F7 (coagulation factor VII; plus strand). Cytogenetic location: 13q34.
Variant type: single nucleotide variant.
Coding change: c.149C>G on transcript NM_019616.4 (MANE Select); coding-DNA position 149, C replaced by G.
Protein change: p.Ser50Cys; replaces serine 50 with cysteine.
Molecular consequence: missense variant. On other transcripts: non-coding transcript variant (1), intron variant (1).
Genome position (GRCh38, 1-based): chr13:113,110,774, C>G. VCF-style: chr13-113110774-C-G. GRCh37 (hg19) VCF-style: chr13-113765088-C-G.
Other names: p.Ser72Cys; c.215C>G, p.Ser72Cys (NM_000131.5); c.65-3073C>G (NM_001267554.2); short protein forms S50C, S72C.
Identifiers: ClinVar variation 627274 (VCV000627274.8), dbSNP rs546856641, ClinGen allele CA7059868.

ClinVar aggregate classification (germline): Conflicting classifications of pathogenicity. Review status: criteria provided, conflicting classifications (1 of 4 stars). 7 submissions from 7 submitters: Likely pathogenic (4); Uncertain significance (1). 2 of the submissions do not count toward it. Last evaluated 2025-12-14.

Conditions:
Congenital factor VII deficiency. Identifiers: Orphanet 327, MedGen C0272320, MONDO:0009211, OMIM 227500.
Myocardial infarction, susceptibility to. Identifiers: MedGen C1832662, MONDO:0012039, OMIM 608446.
F7-related disorder. Also called: F7-related condition.
Factor VII deficiency. Also called: F7 DEFICIENCY; HYPOPROCONVERTINEMIA; Factor 7 deficiency. Identifiers: MedGen C0015503, MeSH D005168, MONDO:0002244.

Allele frequency attached by ClinVar (database versions not stated): TOPMed 0.00001; 1000 Genomes Project 30x 0.00016; 1000 Genomes Project 0.00020; ExAC 0.00050.

Submissions (7):

Labcorp Genetics (formerly Invitae), Labcorp
Classification: Likely pathogenic. Last evaluated: 2025-12-14. Review status: criteria provided, single submitter. Criteria: Invitae Variant Classification Sherloc (09022015). Collection method: clinical testing. Allele origin: germline.
Comment: This sequence change replaces serine, which is neutral and polar, with cysteine, which is neutral and slightly polar, at codon 72 of the F7 protein (p.Ser72Cys). This variant is present in population databases (rs546856641, gnomAD 0.1%). This missense change has been observed in individuals with factor VII deficiency (PMID: 31064749, 36571800, 38202056). ClinVar contains an entry for this variant (Variation ID: 627274). An algorithm developed to predict the effect of missense changes on protein structure and function (PolyPhen-2) suggests that this variant is likely to be disruptive. In summary, the currently available evidence indicates that the variant is pathogenic, but additional data are needed to prove that conclusively. Therefore, this variant has been classified as Likely Pathogenic.

First Genomix Gene Laboratory, Genetic Diagnostics Department
Classification: Likely pathogenic for Congenital factor VII deficiency. Last evaluated: 2025-05-23. Review status: criteria provided, single submitter. Criteria: ACMG Guidelines, 2015. Collection method: clinical testing. Allele origin: germline. Inheritance: Autosomal recessive inheritance. Affected: no. Observed: 1 variant allele.

Mayo Clinic Laboratories, Mayo Clinic
Classification: Likely pathogenic. Last evaluated: 2024-10-17. Review status: criteria provided, single submitter. Criteria: ACMG Guidelines, 2015. Collection method: clinical testing. Allele origin: germline. Observed: 1 variant allele.
Comment: PP5, PM1_supporting, PM2_supporting, PM3_strong

Fulgent Genetics
Classification: Likely pathogenic for Congenital factor VII deficiency; Myocardial infarction, susceptibility to. Last evaluated: 2024-03-15. Review status: criteria provided, single submitter. Criteria: ACMG Guidelines, 2015. Collection method: clinical testing. Allele origin: germline.

NIHR Bioresource Rare Diseases, University of Cambridge
Classification: Uncertain significance for Congenital factor VII deficiency. Last evaluated: 2019-02-01. Review status: criteria provided, single submitter. Criteria: ACMG Guidelines, 2015. Collection method: research. Allele origin: unknown. Affected: yes. Observed: 1 compound heterozygote. Study: ThromboGenomics.

PreventionGenetics, part of Exact Sciences
Classification: Uncertain significance for F7-related condition. Last evaluated: 2024-09-27. Review status: no assertion criteria provided. Collection method: clinical testing. Allele origin: germline. Not counted in ClinVar's aggregate classification.
Comment: The F7 c.215C>G variant is predicted to result in the amino acid substitution p.Ser72Cys. This variant has been reported in homozygous or compound heterozygous states in multiple individuals with Factor VII deficiency, and indicated it is founder effect in North Indians (Sharma et al. 2022. PubMed ID: 36571800). This variant has also been reported in individuals in cohort studies of F7 related disorders (Suppl3_SNV+INDEL, Downes et al. 2019. PubMed ID: 31064749; Table S1, Halimeh et al. 2023. PubMed ID: 38202056). This variant is reported in 0.11% of alleles in individuals of South Asian descent in gnomAD. Although we suspect that this variant may be pathogenic, at this time, the clinical significance of this variant is uncertain due to the absence of conclusive functional and genetic evidence.

ISTH-SSC Genomics in Thrombosis and Hemostasis, KU Leuven, Center for Molecular and Vascular Biology
Classification: Likely pathogenic for Congenital factor VII deficiency. Review status: no assertion criteria provided. Collection method: research. Allele origin: unknown. Affected: yes. Not counted in ClinVar's aggregate classification.
Comment: Submitted to GoldVariant by Dr Karyn Mégy from NIHR Bioresource - Cambridge University, UK

Literature cited by the submitters: PubMed 31064749 (cited by 3 submitters); PubMed 36571800 (cited by Labcorp Genetics (formerly Invitae), Labcorp and Mayo Clinic Laboratories, Mayo Clinic); PubMed 38202056 (cited by Labcorp Genetics (formerly Invitae), Labcorp and Mayo Clinic Laboratories, Mayo Clinic); PubMed 33477601 (cited by Mayo Clinic Laboratories, Mayo Clinic).